The following is an entry in ClinVar:

NM_000038.6(APC):c.1409-2531T>A

Gene: APC (APC regulator of WNT signaling pathway; plus strand). Cytogenetic location: 5q22.2.
Variant type: single nucleotide variant.
Coding change: c.1409-2531T>A on transcript NM_000038.6 (MANE Select); 2531 bases into the intron before coding-DNA position 1409, T replaced by A.
Molecular consequence: intron variant.
Genome position (GRCh38, 1-based): chr5:112,824,577, T>A. VCF-style: chr5-112824577-T-A. GRCh37 (hg19) VCF-style: chr5-112160274-T-A.
Other names: c.1409-2531T>A (NM_001354895.2, NM_001127510.3); c.1439-2531T>A (NM_001354897.2); c.1136-2531T>A (NM_001354902.2); c.1355-2531T>A (NM_001127511.3); c.1334-2531T>A (NM_001354898.2); c.1031-2531T>A (NM_001354904.2); c.560-2531T>A (NM_001354906.2); c.1462+1217T>A (NM_001354896.2); and 5 more.
Identifiers: ClinVar variation 83143 (VCV000083143.2), dbSNP rs78985134, ClinGen allele CA005068.

ClinVar aggregate classification (germline): other (0 of 4 stars; one submission).

Conditions:
Familial colorectal cancer. Identifiers: MedGen CN280943, MONDO:0023113. Disease mechanism: loss of function.

Submission:

Systems Biology Platform Zhejiang California International NanoSystems Institute
Classification: other for Familial colorectal cancer. Review status: no assertion criteria provided. Collection method: not provided. Allele origin: unknown.
ClinVar note: Converted during submission from cancer to other.